The following is an entry in ClinVar:

NM_014045.5(LRP10):c.1880C>T (p.Thr627Met)

Gene: LRP10 (LDL receptor related protein 10; plus strand). Cytogenetic location: 14q11.2.
Variant type: single nucleotide variant.
Coding change: c.1880C>T on transcript NM_014045.5 (MANE Select); coding-DNA position 1880, C replaced by T.
Protein change: p.Thr627Met; replaces threonine 627 with methionine.
Molecular consequence: missense variant. On other transcripts: intron variant (1).
Genome position (GRCh38, 1-based): chr14:22,877,265, C>T. VCF-style: chr14-22877265-C-T. GRCh37 (hg19) VCF-style: chr14-23346474-C-T.
Other names: p.Thr627Met; c.1668+212C>T (NM_001329226.2); short protein forms T627M.
Identifiers: ClinVar variation 4048595 (VCV004048595.2).
Genomic context (GRCh38, chr14:22,877,265, plus strand): 5'-GGCAAGATGGGGAGCAGGCACCCCCACTGCCCATCAAGGCTCCCCTCCCATCTGCTAGCA[C>T]GTCTCCAGCCCCCACTACTGTCCCTGAAGCCCCAGGGCCACTGCCCTCACTGCCCCTAGA-3'
Protein context (NP_054764.2, residues 617-637): PIKAPLPSAS[Thr627Met]SPAPTTVPEA

ClinVar aggregate classification (germline): Conflicting classifications of pathogenicity. Review status: criteria provided, conflicting classifications (1 of 4 stars). 2 submissions from 2 submitters: Uncertain significance (1); Likely benign (1). Last evaluated 2025-07-08.

gnomAD v4.1: 29 of 1,611,144 alleles (0.0018%); highest among the groups gnomAD compares: East Asian, 0.0067%; no homozygotes.

Submissions (2):

Mayo Clinic Laboratories, Mayo Clinic
Classification: Likely benign. Last evaluated: 2025-07-08. Review status: criteria provided, single submitter. Criteria: ACMG Guidelines, 2015. Collection method: clinical testing. Allele origin: germline. Observed: 1 variant allele.
Comment: BS2, BP4_moderate

Ambry Genetics
Classification: Uncertain significance. Last evaluated: 2025-04-03. Review status: criteria provided, single submitter. Criteria: Ambry Variant Classification Scheme 2023. Collection method: clinical testing. Allele origin: germline.